The following is an entry in ClinVar:

ClinVar aggregate classification (germline): Uncertain significance (1 of 4 stars; one submission).

gnomAD v4.1: 38 of 1,613,688 alleles (0.0024%); highest among the groups gnomAD compares: East Asian, 0.085%; no homozygotes.

Submission:

Labcorp Genetics (formerly Invitae), Labcorp
Classification: Uncertain significance. Last evaluated: 2022-03-21. Review status: criteria provided, single submitter. Criteria: Invitae Variant Classification Sherloc (09022015). Collection method: clinical testing. Allele origin: germline.
Comment: In summary, the available evidence is currently insufficient to determine the role of this variant in disease. Therefore, it has been classified as a Variant of Uncertain Significance. Algorithms developed to predict the effect of missense changes on protein structure and function are either unavailable or do not agree on the potential impact of this missense change (SIFT: "Not Available"; PolyPhen-2: "Benign"; Align-GVGD: "Not Available"). This variant has not been reported in the literature in individuals affected with CDH3-related conditions. This variant is present in population databases (rs757633932, gnomAD 0.006%). This sequence change replaces arginine, which is basic and polar, with leucine, which is neutral and non-polar, at codon 100 of the CDH3 protein (p.Arg100Leu).

NM_001793.6(CDH3):c.299G>T (p.Arg100Leu)

Gene: CDH3 (cadherin 3; plus strand). Cytogenetic location: 16q22.1.
Variant type: single nucleotide variant.
Coding change: c.299G>T on transcript NM_001793.6 (MANE Select); coding-DNA position 299, G replaced by T.
Protein change: p.Arg100Leu; replaces arginine 100 with leucine.
Molecular consequence: missense variant.
Genome position (GRCh38, 1-based): chr16:68,678,186, G>T. VCF-style: chr16-68678186-G-T. GRCh37 (hg19) VCF-style: chr16-68712089-G-T.
Other names: c.299G>T, p.Arg100Leu (NM_001317195.3); c.134G>T, p.Arg45Leu (NM_001317196.2); short protein forms R45L, R100L.
Identifiers: ClinVar variation 2115691 (VCV002115691.2), dbSNP rs757633932, ClinGen allele CA8128991.